The following is an entry in ClinVar:

NM_000548.5(TSC2):c.3310C>A (p.Gln1104Lys)

Gene: TSC2 (TSC complex subunit 2; plus strand). Cytogenetic location: 16p13.3.
Variant type: single nucleotide variant.
Coding change: c.3310C>A on transcript NM_000548.5 (MANE Select); coding-DNA position 3310, C replaced by A.
Protein change: p.Gln1104Lys; replaces glutamine 1104 with lysine.
Molecular consequence: missense variant.
Genome position (GRCh38, 1-based): chr16:2,079,582, C>A. VCF-style: chr16-2079582-C-A. GRCh37 (hg19) VCF-style: chr16-2129583-C-A.
Other names: c.3178C>A, p.Gln1060Lys (NM_001077183.3, NM_001370404.1); c.3310C>A, p.Gln1104Lys (NM_001114382.3); c.3070C>A, p.Gln1024Lys (NM_001318827.2); c.3034C>A, p.Gln1012Lys (NM_001318829.2); c.2578C>A, p.Gln860Lys (NM_001318831.2); c.3211C>A, p.Gln1071Lys (NM_001318832.2); c.3181C>A, p.Gln1061Lys (NM_001363528.2, NM_001370405.1, NM_021055.3); short protein forms Q1012K, Q1024K, Q1071K, Q860K, Q1060K, Q1061K, Q1104K.
Identifiers: ClinVar variation 847013 (VCV000847013.9), dbSNP rs397514978, ClinGen allele CA394286558.

ClinVar aggregate classification (germline): Uncertain significance (1 of 4 stars; one submission).

Conditions:
Tuberous sclerosis 2 (TSC2). Identifiers: Orphanet 805, MedGen C1860707, MONDO:0013199, OMIM 613254.

Submission:

Labcorp Genetics (formerly Invitae), Labcorp
Classification: Uncertain significance for Tuberous sclerosis 2. Last evaluated: 2020-12-04. Review status: criteria provided, single submitter. Criteria: Invitae Variant Classification Sherloc (09022015). Collection method: clinical testing. Allele origin: germline.
Comment: This sequence change replaces glutamine with lysine at codon 1104 of the TSC2 protein (p.Gln1104Lys). The glutamine residue is moderately conserved and there is a small physicochemical difference between glutamine and lysine. This variant is not present in population databases (ExAC no frequency). This variant has not been reported in the literature in individuals with TSC2-related conditions. Algorithms developed to predict the effect of missense changes on protein structure and function are either unavailable or do not agree on the potential impact of this missense change (SIFT: "Tolerated"; PolyPhen-2: "Possibly Damaging"; Align-GVGD: "Class C0"). In summary, the available evidence is currently insufficient to determine the role of this variant in disease. Therefore, it has been classified as a Variant of Uncertain Significance.